The following is an entry in ClinVar:

NM_004333.6(BRAF):c.1140+2738G>A

Gene: BRAF (B-Raf proto-oncogene, serine/threonine kinase; minus strand). Cytogenetic location: 7q34.
Variant type: single nucleotide variant.
Coding change: c.1140+2738G>A on transcript NM_004333.6 (MANE Select); 2738 bases into the intron after coding-DNA position 1140, G replaced by A.
Molecular consequence: intron variant.
Genome position (GRCh38, 1-based): chr7:140,791,570, C>T on the plus strand (G>A on the coding strand, the complement: BRAF is on the minus strand). VCF-style: chr7-140791570-C-T. GRCh37 (hg19) VCF-style: chr7-140491370-C-T.
Other names: c.1140+2738G>A (NM_001378474.1, NM_001378471.1, NM_001378468.1 and 4 more transcripts); c.1038+2738G>A (NM_001378470.1); c.876+2738G>A (NM_001378475.1); c.1149+2738G>A (NM_001378467.1); c.984+2738G>A (NM_001378472.1, NM_001378473.1).
Identifiers: ClinVar variation 2658059 (VCV002658059.24), dbSNP rs186047079, ClinGen allele CA168098388.
Genomic context (GRCh38, chr7:140,791,570, plus strand): 5'-GGGTTACATTTTCTCCCCTTTTCAATTTACATATGCTCTTTGAGCAATTTACATCCATGG[C>T]TTTAACTGACATAAATATGCTAATTACTCCTAAATCTGTATCTCTACTCAAGGTCCTTAT-3'

ClinVar aggregate classification (germline): Likely benign (1 of 4 stars; one submission).

Allele frequency attached by ClinVar (database versions not stated): TOPMed 0.00010; gnomAD 0.00011; 1000 Genomes Project 0.00080; 1000 Genomes Project 30x 0.00094.
gnomAD v4.1: 16 of 139,596 alleles (0.011%); highest among the groups gnomAD compares: South Asian, 0.17%; no homozygotes.

Submission:

CeGaT Center for Human Genetics Tuebingen
Classification: Likely benign. Last evaluated: 2026-03-01. Review status: criteria provided, single submitter. Criteria: CeGaT Center For Human Genetics Tuebingen Variant Classification Criteria Version 2. Collection method: clinical testing. Allele origin: germline. Affected: yes. Observed: 4 variant alleles.
Comment: BRAF: BS1